The following is an entry in ClinVar:

ClinVar aggregate classification (germline): Uncertain significance (1 of 4 stars; one submission).

Conditions:
Anauxetic dysplasia. Identifiers: Orphanet 93347, MedGen C1846796, MONDO:0011773.

Submission:

Labcorp Genetics (formerly Invitae), Labcorp
Classification: Uncertain significance for Anauxetic dysplasia. Last evaluated: 2022-08-19. Review status: criteria provided, single submitter. Criteria: Invitae Variant Classification Sherloc (09022015). Collection method: clinical testing. Allele origin: germline.
Comment: This variant occurs in the RMRP gene, which encodes an RNA molecule that does not result in a protein product. This variant is not present in population databases (gnomAD no frequency). This variant has not been reported in the literature in individuals affected with RMRP-related conditions. Experimental studies and prediction algorithms are not available or were not evaluated, and the functional significance of this variant is currently unknown. In summary, the available evidence is currently insufficient to determine the role of this variant in disease. Therefore, it has been classified as a Variant of Uncertain Significance.

NC_000009.12:g.35658035A>G

Gene: RMRP (RNA component of mitochondrial RNA processing endoribonuclease; minus strand). Cytogenetic location: 9p13.3.
Variant type: single nucleotide variant.
Genome position: GRCh38 VCF-style: chr9-35658035-A-G. GRCh37 (hg19) VCF-style: chr9-35658032-A-G.
Identifiers: ClinVar variation 1418822 (VCV001418822.5), dbSNP rs1266656422, ClinGen allele CA2573144662.